The following is an entry in ClinVar:

NM_000448.3(RAG1):c.1675A>T (p.Arg559Trp)

Gene: RAG1 (recombination activating 1; plus strand). Cytogenetic location: 11p12.
Variant type: single nucleotide variant.
Coding change: c.1675A>T on transcript NM_000448.3 (MANE Select); coding-DNA position 1675, A replaced by T.
Protein change: p.Arg559Trp; replaces arginine 559 with tryptophan.
Molecular consequence: missense variant.
Genome position (GRCh38, 1-based): chr11:36,574,979, A>T. VCF-style: chr11-36574979-A-T. GRCh37 (hg19) VCF-style: chr11-36596529-A-T.
Other names: c.1675A>T, p.Arg559Trp (NM_001377277.1, NM_001377278.1, NM_001377279.1 and 3 more transcripts); short protein forms R559W.
Identifiers: ClinVar variation 4782779 (VCV004782779.1).

ClinVar aggregate classification (germline): Pathogenic (1 of 4 stars; one submission).

Conditions:
Combined immunodeficiency with skin granulomas. Identifiers: Orphanet 157949, MedGen C2673536, MONDO:0009306, OMIM 233650.
Severe combined immunodeficiency, autosomal recessive, T cell-negative, B cell-negative, NK cell-positive. Also called: Severe combined immunodeficiency due to complete RAG1/2 deficiency; SCID, T CELL-NEGATIVE, B CELL-NEGATIVE, NK CELL-POSITIVE; SCID, AR, T-cell negative, B-cell negative, NK cell-positive. Identifiers: Orphanet 331206, MedGen C1832322, MONDO:0011086, OMIM 601457.

gnomAD v4.1: 1 of 1,614,020 alleles (0.000062%); highest among the groups gnomAD compares: Non-Finnish European, 0.000085%; no homozygotes.

Submission:

Labcorp Genetics (formerly Invitae), Labcorp
Classification: Pathogenic for Combined immunodeficiency with skin granulomas; Severe combined immunodeficiency, autosomal recessive, T cell-negative, B cell-negative, NK cell-positive. Last evaluated: 2025-05-19. Review status: criteria provided, single submitter. Criteria: Invitae Variant Classification Sherloc (09022015). Collection method: clinical testing. Allele origin: germline.
Comment: This sequence change replaces arginine, which is basic and polar, with tryptophan, which is neutral and slightly polar, at codon 559 of the RAG1 protein (p.Arg559Trp). This variant is not present in population databases (gnomAD no frequency). This missense change has been observed in individual(s) with clinical features of severe combined immunodeficiency due to RAG1 deficiency (internal data). In at least one individual the data is consistent with being in trans (on the opposite chromosome) from a pathogenic variant. Invitae Evidence Modeling of protein sequence and biophysical properties (such as structural, functional, and spatial information, amino acid conservation, physicochemical variation, residue mobility, and thermodynamic stability) has been performed for this missense variant. However, the output from this modeling did not meet the statistical confidence thresholds required to predict the impact of this variant on RAG1 protein function. This variant disrupts the p.Arg559 amino acid residue in RAG1. Other variant(s) that disrupt this residue have been determined to be pathogenic (PMID: 11133745, 11520796, 24290284, 24418478). This suggests that this residue is clinically significant, and that variants that disrupt this residue are likely to be disease-causing. For these reasons, this variant has been classified as Pathogenic.

Literature cited by the submitters: PubMed 11133745; PubMed 11520796; PubMed 24290284; PubMed 24418478.